The following is an entry in ClinVar:

NM_033109.5(PNPT1):c.1738+93A>T

Gene: PNPT1 (polyribonucleotide nucleotidyltransferase 1; minus strand). Cytogenetic location: 2p16.1.
Variant type: single nucleotide variant.
Coding change: c.1738+93A>T on transcript NM_033109.5 (MANE Select); 93 bases into the intron after coding-DNA position 1738, A replaced by T.
Molecular consequence: intron variant.
Genome position (GRCh38, 1-based): chr2:55,646,166, T>A on the plus strand (A>T on the coding strand, the complement: PNPT1 is on the minus strand). VCF-style: chr2-55646166-T-A. GRCh37 (hg19) VCF-style: chr2-55873301-T-A.
Identifiers: ClinVar variation 671593 (VCV000671593.2), dbSNP rs2627776, ClinGen allele CA15158101.

ClinVar aggregate classification (germline): Benign. Review status: criteria provided, multiple submitters, no conflicts (2 of 4 stars). 2 submissions from 2 submitters: Benign (2). Last evaluated 2018-06-14.

Allele frequency attached by ClinVar (database versions not stated): 1000 Genomes Project 0.31729; 1000 Genomes Project 30x 0.32167; TOPMed 0.43514; gnomAD 0.44803 and 0.45619; gnomAD exomes 0.49017.
gnomAD v4.1: 607,672 of 1,254,992 alleles (48%); highest among the groups gnomAD compares: Non-Finnish European, 52%; 154,066 homozygotes.

Submissions (2):

GeneDx
Classification: Benign. Last evaluated: 2018-06-14. Review status: criteria provided, single submitter. Criteria: GeneDx Variant Classification (06012015). Collection method: clinical testing. Allele origin: germline. Affected: yes.
Comment: This variant is considered likely benign or benign based on one or more of the following criteria: it is a conservative change, it occurs at a poorly conserved position in the protein, it is predicted to be benign by multiple in silico algorithms, and/or has population frequency not consistent with disease.

Breakthrough Genomics
Classification: Benign. Review status: criteria provided, single submitter. Criteria: ACMG Guidelines, 2015. Collection method: not provided. Allele origin: germline. Inheritance: Autosomal recessive inheritance. Affected: yes.